The following is an entry in ClinVar:

NM_007294.4(BRCA1):c.2092C>T (p.Pro698Ser)

Gene: BRCA1 (BRCA1 DNA repair associated; minus strand). Cytogenetic location: 17q21.31.
Variant type: single nucleotide variant.
Coding change: c.2092C>T on transcript NM_007294.4 (MANE Select); coding-DNA position 2092, C replaced by T.
Protein change: p.Pro698Ser; replaces proline 698 with serine.
Molecular consequence: missense variant. On other transcripts: intron variant (137).
Genome position (GRCh38, 1-based): chr17:43,093,439, G>A on the plus strand (C>T on the coding strand, the complement: BRCA1 is on the minus strand). VCF-style: chr17-43093439-G-A. GRCh37 (hg19) VCF-style: chr17-41245456-G-A.
Other names: c.1966C>T, p.Pro656Ser (NM_001407687.1, NM_001407688.1, NM_001407689.1 and 11 more transcripts); c.1951C>T, p.Pro651Ser (NM_001407692.1, NM_001407694.1, NM_001407695.1 and 29 more transcripts); c.2089C>T, p.Pro697Ser (NM_001407610.1, NM_001407611.1, NM_001407612.1 and 22 more transcripts); c.2092C>T, p.Pro698Ser (NM_001407616.1, NM_001407617.1, NM_001407618.1 and 30 more transcripts); c.2014C>T, p.Pro672Ser (NM_001407653.1, NM_001407654.1, NM_001407655.1 and 4 more transcripts); c.2011C>T, p.Pro671Ser (NM_001407659.1, NM_001407660.1, NM_001407661.1 and 1 more transcripts); c.1969C>T, p.Pro657Ser (NM_001407674.1, NM_001407675.1, NM_001407676.1 and 19 more transcripts); c.1948C>T, p.Pro650Ser (NM_001407740.1, NM_001407741.1, NM_001407742.1 and 20 more transcripts); and 41 more; short protein forms P402S, P656S, P657S, P698S, P570S, P586S, P587S, P609S.
Identifiers: ClinVar variation 4215088 (VCV004215088.1).

ClinVar aggregate classification (germline): Uncertain significance (1 of 4 stars; one submission).

Conditions:
Hereditary cancer-predisposing syndrome. Also called: Neoplastic Syndromes, Hereditary; Tumor predisposition; Hereditary Cancer Syndrome; Hereditary neoplastic syndrome. Identifiers: Orphanet 140162, MedGen C0027672, MeSH D009386, MONDO:0015356.

Submission:

Ambry Genetics
Classification: Uncertain significance for Hereditary cancer-predisposing syndrome. Last evaluated: 2025-07-15. Review status: criteria provided, single submitter. Criteria: Ambry Variant Classification Scheme 2023. Collection method: clinical testing. Allele origin: germline.
Comment: The p.P698S variant (also known as c.2092C>T), located in coding exon 9 of the BRCA1 gene, results from a C to T substitution at nucleotide position 2092. The proline at codon 698 is replaced by serine, an amino acid with similar properties. This amino acid position is conserved. In addition, the in silico prediction for this alteration is inconclusive. Based on the available evidence, the clinical significance of this variant remains unclear.